The following is an entry in ClinVar:

ClinVar aggregate classification (germline): Uncertain significance. Review status: criteria provided, multiple submitters, no conflicts (2 of 4 stars). 2 submissions from 2 submitters: Uncertain significance (2). Last evaluated 2022-07-31.

Conditions:
Emery-Dreifuss muscular dystrophy 4, autosomal dominant (EDMD4). Also called: EMERY-DREIFUSS MUSCULAR DYSTROPHY 4 WITH VARIABLE FEATURES. Identifiers: Orphanet 261, MedGen C2751807, MONDO:0013071, OMIM 612998.
Autosomal recessive ataxia, Beauce type. Also called: Spinocerebellar ataxia, autosomal recessive 8; SYNE1-Related Autosomal Recessive Cerebellar Ataxia; SYNE1 Deficiency; ATAXIA, RECESSIVE, OF BEAUCE. Identifiers: Orphanet 88644, MedGen C1853116, MONDO:0012549, OMIM 610743.

Allele frequency attached by ClinVar (database versions not stated): gnomAD 0.00001; gnomAD exomes 0.00001 and 0.00002; TOPMed 0.00002; ExAC 0.00001.
gnomAD v4.1: 11 of 1,614,062 alleles (0.00068%); highest among the groups gnomAD compares: Admixed American, 0.017%; no homozygotes.

Submissions (2):

Labcorp Genetics (formerly Invitae), Labcorp
Classification: Uncertain significance for Emery-Dreifuss muscular dystrophy 4, autosomal dominant; Autosomal recessive ataxia, Beauce type. Last evaluated: 2022-07-31. Review status: criteria provided, single submitter. Criteria: Invitae Variant Classification Sherloc (09022015). Collection method: clinical testing. Allele origin: germline.
Comment: This sequence change replaces leucine, which is neutral and non-polar, with phenylalanine, which is neutral and non-polar, at codon 8740 of the SYNE1 protein (p.Leu8740Phe). This variant is present in population databases (rs747405346, gnomAD 0.01%). This variant has not been reported in the literature in individuals affected with SYNE1-related conditions. ClinVar contains an entry for this variant (Variation ID: 863040). Algorithms developed to predict the effect of missense changes on protein structure and function are either unavailable or do not agree on the potential impact of this missense change (SIFT: "Deleterious"; PolyPhen-2: "Benign"; Align-GVGD: "Class C0"). In summary, the available evidence is currently insufficient to determine the role of this variant in disease. Therefore, it has been classified as a Variant of Uncertain Significance.

Revvity Omics, Revvity
Classification: Uncertain significance. Last evaluated: 2021-11-25. Review status: criteria provided, single submitter. Criteria: ACMG Guidelines, 2015. Collection method: clinical testing. Allele origin: germline.

NM_182961.4(SYNE1):c.26362C>T (p.Leu8788Phe)

Genes: ESR1 (estrogen receptor 1; plus strand), SYNE1 (spectrin repeat containing nuclear envelope protein 1; minus strand). Cytogenetic location: 6q25.2.
Variant type: single nucleotide variant.
Coding change: c.26362C>T on transcript NM_182961.4 (MANE Select); coding-DNA position 26362, C replaced by T.
Protein change: p.Leu8788Phe; replaces leucine 8788 with phenylalanine.
Molecular consequence: missense variant. On other transcripts: 3 prime UTR variant (1), intron variant (1).
Genome position (GRCh38, 1-based): chr6:152,122,468, G>A on the plus strand (C>T on the coding strand, the complement: SYNE1 is on the minus strand). VCF-style: chr6-152122468-G-A. GRCh37 (hg19) VCF-style: chr6-152443603-G-A.
Other names: c.*173C>T (NM_001347701.2); c.2896C>T, p.Leu966Phe (NM_001347702.2); c.26218C>T, p.Leu8740Phe (NM_033071.5); c.851-2798G>A (NM_001328100.2); short protein forms L8788F, L8740F, L966F.
Identifiers: ClinVar variation 863040 (VCV000863040.11), dbSNP rs747405346, ClinGen allele CA4052580.
Genomic context (GRCh38, chr6:152,122,468, plus strand): 5'-GCACTTCTGCAGATGGCATCTGCTTAGTTCAGAGTGGAGGAGGGCCATTCGTGTATCTGA[G>A]CATGGGGTGGAATGACCGGGCAAAGTTGTTGGAGAGGGCACAGCTGTAGTCTTCCTCTGA-3'
Protein context (NP_892006.3, residues 8778-8797): NNFARSFHPM[Leu8788Phe]RYTNGPPPL